The following is an entry in ClinVar:

ClinVar aggregate classification (germline): Uncertain significance (1 of 4 stars; one submission).

Conditions:
ALG1-congenital disorder of glycosylation. Also called: ALG1-CDG; CONGENITAL DISORDER OF GLYCOSYLATION, TYPE Ik; CDG Ik. Identifiers: Orphanet 79327, MedGen C2931005, MONDO:0012052, OMIM 608540.

Allele frequency attached by ClinVar (database versions not stated): gnomAD exomes below 0.00001.

Submission:

Labcorp Genetics (formerly Invitae), Labcorp
Classification: Uncertain significance for ALG1-congenital disorder of glycosylation. Last evaluated: 2022-03-06. Review status: criteria provided, single submitter. Criteria: Invitae Variant Classification Sherloc (09022015). Collection method: clinical testing. Allele origin: germline.
Comment: This sequence change replaces alanine, which is neutral and non-polar, with glycine, which is neutral and non-polar, at codon 198 of the ALG1 protein (p.Ala198Gly). This variant is not present in population databases (gnomAD no frequency). This variant has not been reported in the literature in individuals affected with ALG1-related conditions. Advanced modeling of protein sequence and biophysical properties (such as structural, functional, and spatial information, amino acid conservation, physicochemical variation, residue mobility, and thermodynamic stability) performed at Invitae indicates that this missense variant is expected to disrupt ALG1 protein function. In summary, the available evidence is currently insufficient to determine the role of this variant in disease. Therefore, it has been classified as a Variant of Uncertain Significance.

NM_019109.5(ALG1):c.593C>G (p.Ala198Gly)

Gene: ALG1 (ALG1 chitobiosyldiphosphodolichol beta-mannosyltransferase; plus strand). Cytogenetic location: 16p13.3.
Variant type: single nucleotide variant.
Coding change: c.593C>G on transcript NM_019109.5 (MANE Select); coding-DNA position 593, C replaced by G.
Protein change: p.Ala198Gly; replaces alanine 198 with glycine.
Molecular consequence: missense variant.
Genome position (GRCh38, 1-based): chr16:5,077,498, C>G. VCF-style: chr16-5077498-C-G. GRCh37 (hg19) VCF-style: chr16-5127499-C-G.
Other names: c.260C>G, p.Ala87Gly (NM_001330504.2); short protein forms A198G, A87G.
Identifiers: ClinVar variation 1920324 (VCV001920324.5), dbSNP rs2505858714, ClinGen allele CA394681335.